The following is an entry in ClinVar:

ClinVar aggregate classification (germline): Uncertain significance (1 of 4 stars; one submission).

Allele frequency attached by ClinVar (database versions not stated): gnomAD exomes 0.00002 and 0.00003; ExAC 0.00004; TOPMed 0.00004; gnomAD 0.00005 and 0.00006.
gnomAD v4.1: 31 of 1,613,968 alleles (0.0019%); highest among the groups gnomAD compares: Middle Eastern, 0.016%; no homozygotes.

Submission:

Labcorp Genetics (formerly Invitae), Labcorp
Classification: Uncertain significance. Last evaluated: 2022-08-23. Review status: criteria provided, single submitter. Criteria: Invitae Variant Classification Sherloc (09022015). Collection method: clinical testing. Allele origin: germline.
Comment: This sequence change replaces glycine, which is neutral and non-polar, with arginine, which is basic and polar, at codon 187 of the SAR1B protein (p.Gly187Arg). This variant is present in population databases (rs774325300, gnomAD 0.009%). This variant has not been reported in the literature in individuals affected with SAR1B-related conditions. ClinVar contains an entry for this variant (Variation ID: 1462385). Algorithms developed to predict the effect of missense changes on protein structure and function are either unavailable or do not agree on the potential impact of this missense change (SIFT: "Tolerated"; PolyPhen-2: "Probably Damaging"; Align-GVGD: "Class C0"). In summary, the available evidence is currently insufficient to determine the role of this variant in disease. Therefore, it has been classified as a Variant of Uncertain Significance.

NM_016103.4(SAR1B):c.559G>A (p.Gly187Arg)

Gene: SAR1B (secretion associated Ras related GTPase 1B; minus strand). Cytogenetic location: 5q31.1.
Variant type: single nucleotide variant.
Coding change: c.559G>A on transcript NM_016103.4 (MANE Select); coding-DNA position 559, G replaced by A.
Protein change: p.Gly187Arg; replaces glycine 187 with arginine.
Molecular consequence: missense variant.
Genome position (GRCh38, 1-based): chr5:134,606,988, C>T on the plus strand (G>A on the coding strand, the complement: SAR1B is on the minus strand). VCF-style: chr5-134606988-C-T. GRCh37 (hg19) VCF-style: chr5-133942678-C-T.
Other names: c.559G>A, p.Gly187Arg (NM_001033503.3); short protein forms G187R.
Identifiers: ClinVar variation 1462385 (VCV001462385.6), dbSNP rs774325300, ClinGen allele CA3414402.